The following is an entry in ClinVar:

NM_006267.5(RANBP2):c.1972G>A (p.Asp658Asn)

Gene: RANBP2 (RAN binding protein 2; plus strand). Cytogenetic location: 2q13.
Variant type: single nucleotide variant.
Coding change: c.1972G>A on transcript NM_006267.5 (MANE Select); coding-DNA position 1972, G replaced by A.
Protein change: p.Asp658Asn; replaces aspartic acid 658 with asparagine.
Molecular consequence: missense variant.
Genome position (GRCh38, 1-based): chr2:108,753,480, G>A. VCF-style: chr2-108753480-G-A. GRCh37 (hg19) VCF-style: chr2-109369936-G-A.
Other names: c.1972G>A (NM_006267.4); short protein forms D658N.
Identifiers: ClinVar variation 1507191 (VCV001507191.8), dbSNP rs772008799, ClinGen allele CA1822500.

ClinVar aggregate classification (germline): Uncertain significance. Review status: criteria provided, multiple submitters, no conflicts (2 of 4 stars). 2 submissions from 2 submitters: Uncertain significance (2). Last evaluated 2026-01-05.

Conditions:
Familial acute necrotizing encephalopathy (IIAE3). Also called: ENCEPHALOPATHY, ACUTE, INFECTION-INDUCED, SUSCEPTIBILITY TO, 3; Susceptibility to Acute Necrotizing Encephalopathy 1. Identifiers: Orphanet 88619, MedGen C2675556, MONDO:0011953, OMIM 608033.

Allele frequency attached by ClinVar (database versions not stated): gnomAD exomes 0.00002; ExAC 0.00004.

Submissions (2):

Labcorp Genetics (formerly Invitae), Labcorp
Classification: Uncertain significance for Familial acute necrotizing encephalopathy. Last evaluated: 2026-01-05. Review status: criteria provided, single submitter. Criteria: Invitae Variant Classification Sherloc (09022015). Collection method: clinical testing. Allele origin: germline.
Comment: This sequence change replaces aspartic acid, which is acidic and polar, with asparagine, which is neutral and polar, at codon 658 of the RANBP2 protein (p.Asp658Asn). This variant is present in population databases (rs772008799, gnomAD 0.02%). This variant has not been reported in the literature in individuals affected with RANBP2-related conditions. ClinVar contains an entry for this variant (Variation ID: 1507191). An algorithm developed to predict the effect of missense changes on protein structure and function (PolyPhen-2) suggests that this variant is likely to be tolerated. In summary, the available evidence is currently insufficient to determine the role of this variant in disease. Therefore, it has been classified as a Variant of Uncertain Significance.

Ambry Genetics
Classification: Uncertain significance. Last evaluated: 2023-10-20. Review status: criteria provided, single submitter. Criteria: Ambry Variant Classification Scheme 2023. Collection method: clinical testing. Allele origin: germline.